The following is an entry in ClinVar:

NM_000096.4(CP):c.928C>G (p.Arg310Gly)

Gene: CP (ceruloplasmin; minus strand). Cytogenetic location: 3q25.1.
Variant type: single nucleotide variant.
Coding change: c.928C>G on transcript NM_000096.4 (MANE Select); coding-DNA position 928, C replaced by G.
Protein change: p.Arg310Gly; replaces arginine 310 with glycine.
Molecular consequence: missense variant. On other transcripts: non-coding transcript variant (1).
Genome position (GRCh38, 1-based): chr3:149,207,471, G>C on the plus strand (C>G on the coding strand, the complement: CP is on the minus strand). VCF-style: chr3-149207471-G-C. GRCh37 (hg19) VCF-style: chr3-148925258-G-C.
Other names: short protein forms R310G.
Identifiers: ClinVar variation 372676 (VCV000372676.1), dbSNP rs767161351, ClinGen allele CA16042482.
Genomic context (GRCh38, chr3:149,207,471, plus strand): 5'-TCTGGGCCACCATATAAGCATCAAACAGGGTAGCAGGAAAGAGGTTGATTGTGTCAATAC[G>C]GTAGTTCTTGTTAGTCAGTGCTTGCCCGTGAAAGAAAGCTGCGTGCACATCAACTTCATT-3'
Protein context (NP_000087.2, residues 300-320): HGQALTNKNY[Arg310Gly]IDTINLFPAT

ClinVar aggregate classification (germline): Likely pathogenic (1 of 4 stars; one submission).

Submission:

GeneDx
Classification: Likely pathogenic. Last evaluated: 2015-09-12. Review status: criteria provided, single submitter. Criteria: GeneDx Variant Classification (06012015). Collection method: clinical testing. Allele origin: germline. Affected: yes.
Comment: The R310G variant in the CP gene has not been reported previously as a pathogenic variant nor as a benign variant, to our knowledge. The R310G variant was not observed in approximately 6500 individuals of European and African American ancestry in the NHLBI Exome Sequencing Project, indicating it is not a common benign variant in these populations. The R310G variant is a non-conservative amino acid substitution, which is likely to impact secondary protein structure as these residues differ in polarity, charge, size and/or other properties. This substitution occurs at a position where amino acids with similar properties to Arginine are tolerated across species. In silico analysis predicts this variant is probably damaging to the protein structure/function. The R310G variant is a strong candidate for a disease-causing mutation, however the possibility it may be a rare benign variant cannot be excluded.